The following is an entry in ClinVar:

NM_021098.3(CACNA1H):c.2420C>A (p.Thr807Lys)

Gene: CACNA1H (calcium voltage-gated channel subunit alpha1 H; plus strand). Cytogenetic location: 16p13.3.
Variant type: single nucleotide variant.
Coding change: c.2420C>A on transcript NM_021098.3 (MANE Select); coding-DNA position 2420, C replaced by A.
Protein change: p.Thr807Lys; replaces threonine 807 with lysine.
Molecular consequence: missense variant.
Genome position (GRCh38, 1-based): chr16:1,204,427, C>A. VCF-style: chr16-1204427-C-A. GRCh37 (hg19) VCF-style: chr16-1254427-C-A.
Other names: c.2420C>A, p.Thr807Lys (NM_001005407.2); short protein forms T807K.
Identifiers: ClinVar variation 1723737 (VCV001723737.2), dbSNP rs773952204, ClinGen allele CA394166569.

ClinVar aggregate classification (germline): Uncertain significance (1 of 4 stars; one submission).

Submission:

GeneDx
Classification: Uncertain significance. Last evaluated: 2022-05-12. Review status: criteria provided, single submitter. Criteria: GeneDx Variant Classification Process June 2021. Collection method: clinical testing. Allele origin: germline. Affected: yes.
Comment: Not observed at significant frequency in large population cohorts (gnomAD); In silico analysis supports that this missense variant has a deleterious effect on protein structure/function; Has not been previously published as pathogenic or benign to our knowledge